The following is an entry in ClinVar:

ClinVar aggregate classification (germline): Likely benign (1 of 4 stars; one submission).

Allele frequency attached by ClinVar (database versions not stated): gnomAD 0.00042; TOPMed 0.00042; ExAC 0.00049; gnomAD exomes 0.00075.
gnomAD v4.1: 912 of 1,304,196 alleles (0.07%); highest among the groups gnomAD compares: Non-Finnish European, 0.089%; 1 homozygote.

Submission:

CeGaT Center for Human Genetics Tuebingen
Classification: Likely benign. Last evaluated: 2022-05-01. Review status: criteria provided, single submitter. Criteria: CeGaT Center For Human Genetics Tuebingen Variant Classification Criteria Version 2. Collection method: clinical testing. Allele origin: germline. Affected: yes. Observed: 1 variant allele.
Comment: HMCN2: BP4, BP7

NM_001291815.2(HMCN2):c.4989G>A (p.Glu1663=)

Gene: HMCN2 (hemicentin 2; plus strand). Cytogenetic location: 9q34.11.
Variant type: single nucleotide variant.
Coding change: c.4989G>A on transcript NM_001291815.2 (MANE Select); coding-DNA position 4989, G replaced by A.
Protein change: p.Glu1663=; no amino-acid change (glutamic acid 1663 retained).
Molecular consequence: synonymous variant.
Genome position (GRCh38, 1-based): chr9:130,354,887, G>A. VCF-style: chr9-130354887-G-A. GRCh37 (hg19) VCF-style: chr9-133230274-G-A.
Identifiers: ClinVar variation 2659589 (VCV002659589.24), dbSNP rs758538948, ClinGen allele CA5282198.
Genomic context (GRCh38, chr9:130,354,887, plus strand): 5'-TGTGGCGCTGGAGTGCGTGGCCAGAGGCCACCCGTCCCCCACCCTCTCCTGGCACCACGA[G>A]GGGCTGCCCGTGGCAGAGAGCAACGAGTCGCGGCTGGAGACAGACGGGAGTGTGCTGAGG-3'
Protein context (NP_001278744.1, residues 1653-1673): HPSPTLSWHH[Glu1663=]GLPVAESNES